The following is an entry in ClinVar:

NM_001365088.1(SLC12A6):c.3061C>T (p.Arg1021Ter)

Gene: SLC12A6 (solute carrier family 12 member 6; minus strand). Cytogenetic location: 15q14.
Variant type: single nucleotide variant.
Coding change: c.3061C>T on transcript NM_001365088.1 (MANE Select); coding-DNA position 3061, C replaced by T.
Protein change: p.Arg1021Ter; replaces arginine 1021 with a stop codon.
Molecular consequence: nonsense.
Genome position (GRCh38, 1-based): chr15:34,236,181, G>A on the plus strand (C>T on the coding strand, the complement: SLC12A6 is on the minus strand). VCF-style: chr15-34236181-G-A. GRCh37 (hg19) VCF-style: chr15-34528382-G-A.
Other names: c.2884C>T, p.Arg962Ter (NM_001042494.2, NM_001042495.2); c.3034C>T, p.Arg1012Ter (NM_001042496.2); c.3016C>T, p.Arg1006Ter (NM_001042497.2); c.2908C>T, p.Arg970Ter (NM_005135.2); c.3061C>T, p.Arg1021Ter (NM_133647.2); short protein forms R1006*, R970*, R1012*, R1021*, R962*.
Identifiers: ClinVar variation 2876293 (VCV002876293.5), dbSNP rs752558011, ClinGen allele CA391617801.
Genomic context (GRCh38, chr15:34,236,181, plus strand): 5'-AGGTTTCTGTCTCTTCGTCCTCATCAGAGCCAATGCTGGTCAATCGTAGCATTGAGTTTC[G>A]GTCTTTCACCAATTGTGCCTGAGGAAGAAGGTCCAACACAAGTTATTCTACCAAATTTTC-3'

ClinVar aggregate classification (germline): Pathogenic/Likely pathogenic. Review status: criteria provided, multiple submitters, no conflicts (2 of 4 stars). 3 submissions from 3 submitters: Pathogenic (1); Likely pathogenic (2). Last evaluated 2023-11-16.

Conditions:
Agenesis of the corpus callosum with peripheral neuropathy (ACCPN). Also called: CHARLEVOIX DISEASE; Hereditary Motor and Sensory Neuropathy with Agenesis of the Corpus Callosum; POLYNEUROPATHY, SENSORIMOTOR, WITH OR WITHOUT AGENESIS OF THE CORPUS CALLOSUM; HMSN/ACC. Identifiers: Orphanet 1496, MedGen C0795950, MONDO:0000902, OMIM 218000. Disease mechanism: loss of function.
SLC12A6-related disorder. Also called: SLC12A6-related condition.

gnomAD v4.1: 2 of 1,613,554 alleles (0.00012%); highest among the groups gnomAD compares: African/African-American, 0.0013%; no homozygotes.

Submissions (3):

Baylor Genetics
Classification: Likely pathogenic for Agenesis of the corpus callosum with peripheral neuropathy. Last evaluated: 2023-11-16. Review status: criteria provided, single submitter. Criteria: ACMG Guidelines, 2015. Collection method: clinical testing. Allele origin: unknown.

Labcorp Genetics (formerly Invitae), Labcorp
Classification: Pathogenic. Last evaluated: 2023-09-14. Review status: criteria provided, single submitter. Criteria: Invitae Variant Classification Sherloc (09022015). Collection method: clinical testing. Allele origin: germline.
Comment: For these reasons, this variant has been classified as Pathogenic. This variant has not been reported in the literature in individuals affected with SLC12A6-related conditions. This variant is not present in population databases (gnomAD no frequency). This sequence change creates a premature translational stop signal (p.Arg1021*) in the SLC12A6 gene. It is expected to result in an absent or disrupted protein product. Loss-of-function variants in SLC12A6 are known to be pathogenic (PMID: 12368912, 16606917).

Blueprint Genetics
Classification: Likely pathogenic for SLC12A6-related disorders. Last evaluated: 2020-04-14. Review status: criteria provided, single submitter. Criteria: ACMG Guidelines, 2015. Collection method: clinical testing. Allele origin: germline. Affected: yes. Observed: 1 variant allele.

Literature cited by the submitters: PubMed 12368912 (cited by Labcorp Genetics (formerly Invitae), Labcorp); PubMed 16606917 (cited by Labcorp Genetics (formerly Invitae), Labcorp).